The following is an entry in ClinVar:

NM_004312.3(ARR3):c.917del (p.Gly306fs)

Gene: ARR3 (arrestin 3; plus strand). Cytogenetic location: Xq13.1.
Variant type: Deletion.
Coding change: c.917del on transcript NM_004312.3 (MANE Select); coding-DNA position 917, one base deleted (G; older notation c.917delG).
Protein change: p.Gly306fs; shifts the reading frame from glycine 306.
Molecular consequence: frameshift variant.
Genome position (GRCh38, 1-based): chrX:70,280,206, G deleted; the last of 3 consecutive G bases (chrX:70,280,204-70,280,206); deleting any one gives the same sequence. VCF-style (leftmost placement, unchanged base first): chrX-70280203-CG-C. GRCh37 (hg19) VCF-style: chrX-69500053-CG-C.
Other names: short protein forms G306fs.
Identifiers: ClinVar variation 3345498 (VCV003345498.1).
Genomic context (GRCh38, chrX:70,280,203, plus strand): 5'-TGAATTACTCTTCATGCCCCAAACACCCTAAAACGAATACTACAACCTCCAGTATTAGAC[CG>C]GGAATGGACAAAGAGCTGCTGGGGATCCTGGTGTCCTACAAAGTCAGAGTCAACCTGATG-3'

ClinVar aggregate classification (germline): Likely pathogenic (0 of 4 stars; one submission).

Conditions:
ARR3-related disorder. Also called: ARR3-related condition.

Submission:

PreventionGenetics, part of Exact Sciences
Classification: Likely pathogenic for ARR3-related condition. Last evaluated: 2024-09-10. Review status: no assertion criteria provided. Collection method: clinical testing. Allele origin: germline.
Comment: The ARR3 c.917delG variant is predicted to result in a frameshift and premature protein termination (p.Gly306Glufs*19). To our knowledge, this variant has not been reported in the literature or in a large population database, indicating this variant is rare. Frameshift variants in ARR3 are expected to be pathogenic. This variant is interpreted as likely pathogenic.